The following is an entry in ClinVar:

NM_000789.4(ACE):c.249+4G>A

Genes: ACE (angiotensin I converting enzyme; plus strand), LOC130061383 (ATAC-STARR-seq lymphoblastoid silent region 8817; plus strand). Cytogenetic location: 17q23.3.
Variant type: single nucleotide variant.
Coding change: c.249+4G>A on transcript NM_000789.4 (MANE Select); 4 bases into the intron after coding-DNA position 249, G replaced by A.
Molecular consequence: intron variant.
Genome position (GRCh38, 1-based): chr17:63,477,347, G>A. VCF-style: chr17-63477347-G-A. GRCh37 (hg19) VCF-style: chr17-61554708-G-A.
Other names: c.-366+4G>A (NM_001382701.1); c.14+4G>A (NM_001382700.1).
Identifiers: ClinVar variation 2990368 (VCV002990368.2), dbSNP rs2049633953, ClinGen allele CA985404638.

ClinVar aggregate classification (germline): Uncertain significance (1 of 4 stars; one submission).

Allele frequency attached by ClinVar (database versions not stated): TOPMed below 0.00001; gnomAD 0.00001.

Submission:

Labcorp Genetics (formerly Invitae), Labcorp
Classification: Uncertain significance. Last evaluated: 2023-02-13. Review status: criteria provided, single submitter. Criteria: Invitae Variant Classification Sherloc (09022015). Collection method: clinical testing. Allele origin: germline.
Comment: Variants that disrupt the consensus splice site are a relatively common cause of aberrant splicing (PMID: 17576681, 9536098). Algorithms developed to predict the effect of sequence changes on RNA splicing suggest that this variant may disrupt the consensus splice site. In summary, the available evidence is currently insufficient to determine the role of this variant in disease. Therefore, it has been classified as a Variant of Uncertain Significance. This variant has not been reported in the literature in individuals affected with ACE-related conditions. This variant is not present in population databases (gnomAD no frequency). This sequence change falls in intron 1 of the ACE gene. It does not directly change the encoded amino acid sequence of the ACE protein. It affects a nucleotide within the consensus splice site.

Literature cited by the submitters: PubMed 17576681; PubMed 9536098.